The following is an entry in ClinVar:

NM_001040108.2(MLH3):c.1963A>G (p.Ile655Val)

Gene: MLH3 (mutL homolog 3; minus strand). Cytogenetic location: 14q24.3.
Variant type: single nucleotide variant.
Coding change: c.1963A>G on transcript NM_001040108.2 (MANE Select); coding-DNA position 1963, A replaced by G.
Protein change: p.Ile655Val; replaces isoleucine 655 with valine.
Molecular consequence: missense variant.
Genome position (GRCh38, 1-based): chr14:75,047,693, T>C on the plus strand (A>G on the coding strand, the complement: MLH3 is on the minus strand). VCF-style: chr14-75047693-T-C. GRCh37 (hg19) VCF-style: chr14-75514396-T-C.
Other names: c.1963A>G, p.Ile655Val (NM_014381.3); short protein forms I655V.
Identifiers: ClinVar variation 2625649 (VCV002625649.2), dbSNP rs1287387988, ClinGen allele CA390443602.

ClinVar aggregate classification (germline): Uncertain significance (1 of 4 stars; one submission).

Allele frequency attached by ClinVar (database versions not stated): gnomAD 0.00001.
gnomAD v4.1: 1 of 1,614,032 alleles (0.000062%); highest among the groups gnomAD compares: East Asian, 0.0022%; no homozygotes.

Submission:

Ambry Genetics
Classification: Uncertain significance. Last evaluated: 2023-07-26. Review status: criteria provided, single submitter. Criteria: Ambry Variant Classification Scheme 2023. Collection method: clinical testing. Allele origin: germline.
Comment: The p.I655V variant (also known as c.1963A>G), located in coding exon 1 of the MLH3 gene, results from an A to G substitution at nucleotide position 1963. The isoleucine at codon 655 is replaced by valine, an amino acid with highly similar properties. This amino acid position is conserved. In addition, this alteration is predicted to be tolerated by in silico analysis. Since supporting evidence is limited at this time, the clinical significance of this alteration remains unclear.